The following is an entry in ClinVar:

NM_000057.4(BLM):c.443T>C (p.Leu148Ser)

Gene: BLM (BLM RecQ like helicase; plus strand). Cytogenetic location: 15q26.1.
Variant type: single nucleotide variant.
Coding change: c.443T>C on transcript NM_000057.4 (MANE Select); coding-DNA position 443, T replaced by C.
Protein change: p.Leu148Ser; replaces leucine 148 with serine.
Molecular consequence: missense variant. On other transcripts: 5 prime UTR variant (1).
Genome position (GRCh38, 1-based): chr15:90,749,711, T>C. VCF-style: chr15-90749711-T-C. GRCh37 (hg19) VCF-style: chr15-91292941-T-C.
Other names: c.443T>C, p.Leu148Ser (NM_001287246.2, NM_001287247.2); c.-849T>C (NM_001287248.2); short protein forms L148S.
Identifiers: ClinVar variation 3991693 (VCV003991693.1).

ClinVar aggregate classification (germline): Uncertain significance (1 of 4 stars; one submission).

Conditions:
Hereditary cancer-predisposing syndrome. Also called: Tumor predisposition; Hereditary neoplastic syndrome; Neoplastic Syndromes, Hereditary; Hereditary Cancer Syndrome. Identifiers: Orphanet 140162, MedGen C0027672, MeSH D009386, MONDO:0015356.

Submission:

Ambry Genetics
Classification: Uncertain significance for Hereditary cancer-predisposing syndrome. Last evaluated: 2025-06-07. Review status: criteria provided, single submitter. Criteria: Ambry Variant Classification Scheme 2023. Collection method: clinical testing. Allele origin: germline.
Comment: The p.L148S variant (also known as c.443T>C), located in coding exon 2 of the BLM gene, results from a T to C substitution at nucleotide position 443. The leucine at codon 148 is replaced by serine, an amino acid with dissimilar properties. This amino acid position is conserved. In addition, this alteration is predicted to be tolerated by in silico analysis. Based on the available evidence, the clinical significance of this variant remains unclear.